The following is an entry in ClinVar:

ClinVar aggregate classification (germline): Uncertain significance (1 of 4 stars; one submission).

Allele frequency attached by ClinVar (database versions not stated): ExAC 0.00001; gnomAD 0.00001; gnomAD exomes 0.00001; TOPMed 0.00002.

Submission:

Labcorp Genetics (formerly Invitae), Labcorp
Classification: Uncertain significance. Last evaluated: 2021-07-21. Review status: criteria provided, single submitter. Criteria: Invitae Variant Classification Sherloc (09022015). Collection method: clinical testing. Allele origin: germline.
Comment: In summary, the available evidence is currently insufficient to determine the role of this variant in disease. Therefore, it has been classified as a Variant of Uncertain Significance. Experimental studies and prediction algorithms are not available or were not evaluated, and the functional significance of this variant is currently unknown. This variant has not been reported in the literature in individuals affected with GNAT1-related conditions. The frequency data for this variant in the population databases is considered unreliable, as metrics indicate poor data quality at this position in the ExAC database. This sequence change affects the initiator methionine of the GNAT1 mRNA. The next in-frame methionine is located at codon 49.

NM_144499.3(GNAT1):c.1A>G (p.Met1Val)

Gene: GNAT1 (G protein subunit alpha transducin 1; plus strand). Cytogenetic location: 3p21.31.
Variant type: single nucleotide variant.
Coding change: c.1A>G on transcript NM_144499.3 (MANE Select); coding-DNA position 1, A replaced by G.
Protein change: p.Met1Val; changes the start codon (methionine 1).
Molecular consequence: missense variant, initiator codon variant.
Genome position (GRCh38, 1-based): chr3:50,191,726, A>G. VCF-style: chr3-50191726-A-G. GRCh37 (hg19) VCF-style: chr3-50229159-A-G.
Other names: c.1A>G, p.Met1Val (NM_000172.4); short protein forms M1V.
Identifiers: ClinVar variation 1468215 (VCV001468215.6), dbSNP rs763736641, ClinGen allele CA2412416.